The following is an entry in ClinVar:

NM_001396855.1(GPATCH4):c.732A>G (p.Lys244=)

Gene: GPATCH4 (G-patch domain containing 4 (gene/pseudogene); minus strand). Cytogenetic location: 1q22.
Variant type: single nucleotide variant.
Coding change: c.732A>G on transcript NM_001396855.1 (MANE Select); coding-DNA position 732, A replaced by G.
Protein change: p.Lys244=; no amino-acid change (lysine 244 retained).
Molecular consequence: synonymous variant.
Genome position (GRCh38, 1-based): chr1:156,595,594, T>C on the plus strand (A>G on the coding strand, the complement: GPATCH4 is on the minus strand). VCF-style: chr1-156595594-T-C. GRCh37 (hg19) VCF-style: chr1-156565386-T-C.
Other names: c.747A>G, p.Lys249= (NM_001396861.1, NM_015590.4); c.732A>G, p.Lys244= (NM_182679.3).
Identifiers: ClinVar variation 2672363 (VCV002672363.23), dbSNP rs77904383, ClinGen allele CA1163057.

ClinVar aggregate classification (germline): Likely benign (1 of 4 stars; one submission).

Allele frequency attached by ClinVar (database versions not stated): 1000 Genomes Project 0.00280; TOPMed 0.00430; ESP Exome Variant Server 0.00461; gnomAD 0.00469; ExAC 0.00571.

Submission:

CeGaT Center for Human Genetics Tuebingen
Classification: Likely benign. Last evaluated: 2026-10-01. Review status: criteria provided, single submitter. Criteria: CeGaT Center For Human Genetics Tuebingen Variant Classification Criteria Version 2. Collection method: clinical testing. Allele origin: germline. Affected: yes. Observed: 16 variant alleles.
Comment: GPATCH4: BP4, BP7, BS2